The following is an entry in ClinVar:

NM_001042545.2(LTBP4):c.991+115G>C

Gene: LTBP4 (latent transforming growth factor beta binding protein 4; plus strand). Cytogenetic location: 19q13.2.
Variant type: single nucleotide variant.
Coding change: c.991+115G>C on transcript NM_001042545.2 (MANE Select); 115 bases into the intron after coding-DNA position 991, G replaced by C.
Molecular consequence: intron variant.
Genome position (GRCh38, 1-based): chr19:40,606,641, G>C. VCF-style: chr19-40606641-G-C. GRCh37 (hg19) VCF-style: chr19-41112547-G-C.
Other names: c.1081+115G>C (NM_003573.2); c.1192+115G>C (NM_001042544.1).
Identifiers: ClinVar variation 677985 (VCV000677985.1), dbSNP rs75217335, ClinGen allele CA14689480.

ClinVar aggregate classification (germline): Benign (1 of 4 stars; one submission).

Allele frequency attached by ClinVar (database versions not stated): 1000 Genomes Project 0.02596; 1000 Genomes Project 30x 0.02733; TOPMed 0.04794; gnomAD 0.05012.
gnomAD v4.1: 92,301 of 1,338,764 alleles (6.9%); highest among the groups gnomAD compares: Non-Finnish European, 8.2%; 3,638 homozygotes.

Submission:

GeneDx
Classification: Benign. Last evaluated: 2018-06-14. Review status: criteria provided, single submitter. Criteria: GeneDx Variant Classification (06012015). Collection method: clinical testing. Allele origin: germline. Affected: yes.
Comment: This variant is considered likely benign or benign based on one or more of the following criteria: it is a conservative change, it occurs at a poorly conserved position in the protein, it is predicted to be benign by multiple in silico algorithms, and/or has population frequency not consistent with disease.